The following is an entry in ClinVar:

ClinVar aggregate classification (germline): Uncertain significance (1 of 4 stars; one submission).

Submission:

Ambry Genetics
Classification: Uncertain significance. Last evaluated: 2024-02-02. Review status: criteria provided, single submitter. Criteria: Ambry Variant Classification Scheme 2023. Collection method: clinical testing. Allele origin: germline.
Comment: The p.A464S variant (also known as c.1390G>T), located in coding exon 14 of the KIF1B gene, results from a G to T substitution at nucleotide position 1390. The alanine at codon 464 is replaced by serine, an amino acid with similar properties. This amino acid position is highly conserved in available vertebrate species. In addition, the in silico prediction for this alteration is inconclusive. Since supporting evidence is limited at this time, the clinical significance of this alteration remains unclear.

NM_001365951.3(KIF1B):c.1528G>T (p.Ala510Ser)

Gene: KIF1B (kinesin family member 1B; plus strand). Cytogenetic location: 1p36.22.
Variant type: single nucleotide variant.
Coding change: c.1528G>T on transcript NM_001365951.3 (MANE Select); coding-DNA position 1528, G replaced by T.
Protein change: p.Ala510Ser; replaces alanine 510 with serine.
Molecular consequence: missense variant.
Genome position (GRCh38, 1-based): chr1:10,292,060, G>T. VCF-style: chr1-10292060-G-T. GRCh37 (hg19) VCF-style: chr1-10352118-G-T.
Other names: c.1528G>T, p.Ala510Ser (NM_001365952.1); c.1390G>T, p.Ala464Ser (NM_001365953.1, NM_015074.3, NM_183416.4); short protein forms A464S, A510S.
Identifiers: ClinVar variation 1771548 (VCV001771548.2), dbSNP rs2521358046, ClinGen allele CA338313393.